The following is an entry in ClinVar:

ClinVar aggregate classification (germline): Uncertain significance. Review status: criteria provided, multiple submitters, no conflicts (2 of 4 stars). 2 submissions from 2 submitters: Uncertain significance (2). Last evaluated 2025-10-02.

Conditions:
Inborn genetic diseases. Identifiers: MedGen C0950123, MeSH D030342.
Combined oxidative phosphorylation defect type 27. Also called: Combined oxidative phosphorylation deficiency 27. Identifiers: Orphanet 477774, MedGen C5567608, MONDO:0014728, OMIM 616672.

Allele frequency attached by ClinVar (database versions not stated): ESP Exome Variant Server 0.00008; gnomAD 0.00002; gnomAD exomes 0.00002; TOPMed 0.00003; ExAC 0.00004.
gnomAD v4.1: 27 of 1,609,952 alleles (0.0017%); highest among the groups gnomAD compares: Middle Eastern, 0.016%; no homozygotes.

Submissions (2):

Ambry Genetics
Classification: Uncertain significance for Inborn genetic diseases. Last evaluated: 2025-10-02. Review status: criteria provided, single submitter. Criteria: Ambry Variant Classification Scheme 2023. Collection method: clinical testing. Allele origin: germline.

Labcorp Genetics (formerly Invitae), Labcorp
Classification: Uncertain significance for Combined oxidative phosphorylation defect type 27. Last evaluated: 2022-07-12. Review status: criteria provided, single submitter. Criteria: Invitae Variant Classification Sherloc (09022015). Collection method: clinical testing. Allele origin: germline.
Comment: This sequence change replaces glutamic acid, which is acidic and polar, with lysine, which is basic and polar, at codon 489 of the CARS2 protein (p.Glu489Lys). This variant is present in population databases (rs144664137, gnomAD 0.005%). This variant has not been reported in the literature in individuals affected with CARS2-related conditions. ClinVar contains an entry for this variant (Variation ID: 576455). Algorithms developed to predict the effect of missense changes on protein structure and function (SIFT, PolyPhen-2, Align-GVGD) all suggest that this variant is likely to be tolerated. In summary, the available evidence is currently insufficient to determine the role of this variant in disease. Therefore, it has been classified as a Variant of Uncertain Significance.

NM_024537.4(CARS2):c.1465G>A (p.Glu489Lys)

Gene: CARS2 (cysteinyl-tRNA synthetase 2, mitochondrial; minus strand). Cytogenetic location: 13q34.
Variant type: single nucleotide variant.
Coding change: c.1465G>A on transcript NM_024537.4 (MANE Select); coding-DNA position 1465, G replaced by A.
Protein change: p.Glu489Lys; replaces glutamic acid 489 with lysine.
Molecular consequence: missense variant. On other transcripts: non-coding transcript variant (2).
Genome position (GRCh38, 1-based): chr13:110,642,473, C>T on the plus strand (G>A on the coding strand, the complement: CARS2 is on the minus strand). VCF-style: chr13-110642473-C-T. GRCh37 (hg19) VCF-style: chr13-111294820-C-T.
Other names: c.679G>A, p.Glu227Lys (NM_001352252.2); c.1465G>A (NM_024537.2); short protein forms E489K, E227K.
Identifiers: ClinVar variation 576455 (VCV000576455.8), dbSNP rs144664137, ClinGen allele CA7051644.